The following is an entry in ClinVar:

NM_001605.3(AARS1):c.1463A>T (p.Asn488Ile)

Gene: AARS1 (alanyl-tRNA synthetase 1; minus strand). Cytogenetic location: 16q22.1.
Variant type: single nucleotide variant.
Coding change: c.1463A>T on transcript NM_001605.3 (MANE Select); coding-DNA position 1463, A replaced by T.
Protein change: p.Asn488Ile; replaces asparagine 488 with isoleucine.
Molecular consequence: missense variant.
Genome position (GRCh38, 1-based): chr16:70,264,987, T>A on the plus strand (A>T on the coding strand, the complement: AARS1 is on the minus strand). VCF-style: chr16-70264987-T-A. GRCh37 (hg19) VCF-style: chr16-70298890-T-A.
Other names: short protein forms N488I.
Identifiers: ClinVar variation 2855549 (VCV002855549.3), dbSNP rs561147617, ClinGen allele CA396561164.
Genomic context (GRCh38, chr16:70,264,987, plus strand): 5'-GCTCAGATGTGGAAGGAGCACAGCAACATACCATAGCTACCACTGGAGTCCAAATGGTAA[T>A]TGTACTTTGGGGAATCATCTGTGACCTCCAGACCCCGTGCCCGGAGCTCTTCGATAGCGT-3'
Protein context (NP_001596.2, residues 478-498): LEVTDDSPKY[Asn488Ile]YHLDSSGSYV

ClinVar aggregate classification (germline): Uncertain significance (1 of 4 stars; one submission).

Conditions:
Charcot-Marie-Tooth disease type 2. Also called: Charcot-Marie-Tooth type 2. Identifiers: Orphanet 64746, MedGen C0270914, MONDO:0018993.

gnomAD v4.1: 2 of 1,614,074 alleles (0.00012%); highest among the groups gnomAD compares: Non-Finnish European, 0.00017%; no homozygotes.

Submission:

Labcorp Genetics (formerly Invitae), Labcorp
Classification: Uncertain significance for Charcot-Marie-Tooth disease type 2. Last evaluated: 2023-04-12. Review status: criteria provided, single submitter. Criteria: Invitae Variant Classification Sherloc (09022015). Collection method: clinical testing. Allele origin: germline.
Comment: In summary, the available evidence is currently insufficient to determine the role of this variant in disease. Therefore, it has been classified as a Variant of Uncertain Significance. Advanced modeling of protein sequence and biophysical properties (such as structural, functional, and spatial information, amino acid conservation, physicochemical variation, residue mobility, and thermodynamic stability) performed at Invitae indicates that this missense variant is not expected to disrupt AARS protein function. This variant has not been reported in the literature in individuals affected with AARS-related conditions. This variant is not present in population databases (gnomAD no frequency). This sequence change replaces asparagine, which is neutral and polar, with isoleucine, which is neutral and non-polar, at codon 488 of the AARS protein (p.Asn488Ile).